The following is an entry in ClinVar:

NM_000443.4(ABCB4):c.1030_1035delinsTTAAAGTT (p.Ala344fs)

Gene: ABCB4 (ATP binding cassette subfamily B member 4; minus strand). Cytogenetic location: 7q21.12.
Variant type: Indel.
Coding change: c.1030_1035delinsTTAAAGTT on transcript NM_000443.4 (MANE Select); coding-DNA positions 1030 to 1035, GCTTTC replaced by TTAAAGTT.
Protein change: p.Ala344fs; shifts the reading frame from alanine 344.
Molecular consequence: frameshift variant.
Genome position (GRCh38, 1-based): chr7:87,444,946-87,444,951, GAAAGC replaced by AACTTTAA on the plus strand (GCTTTC replaced by TTAAAGTT on the coding strand, the reverse complement: ABCB4 is on the minus strand). VCF-style: chr7-87444946-GAAAGC-AACTTTAA. GRCh37 (hg19) VCF-style: chr7-87074262-GAAAGC-AACTTTAA.
Other names: c.1030_1035delinsTTAAAGTT, p.Ala344fs (NM_018849.3, NM_018850.3); short protein forms A344fs.
Identifiers: ClinVar variation 4999216 (VCV004999216.1).
Genomic context (GRCh38, chr7:87,444,946, plus strand): 5'-ATATGCTGCTCCTCTTGCATTGGCAAAAGCATCAATACATGGGGCAGCCTGGCCAACACT[GAAAGC>AACTTTAA]TCCAATTAGGATTGAAAAAAAAACCTGAGCAAAATAACATGAGGAAAAGTTTAAGTCACA-3'

ClinVar aggregate classification (germline): Pathogenic (1 of 4 stars; one submission).

Conditions:
ABCB4-related disorder. Also called: ABCB4-related disorders; ABCB4-related condition.

Submission:

PreventionGenetics, part of Exact Sciences
Classification: Pathogenic for ABCB4-related condition. Last evaluated: 2026-06-06. Review status: criteria provided, single submitter. Criteria: ACMG Guidelines, 2015. Collection method: clinical testing. Allele origin: germline.
Comment: The ABCB4 c.1030_1035delinsTTAAAGTT variant is predicted to result in a frameshift and premature protein termination (p.Ala344Leufs*24). To our knowledge, this variant has not been reported in the literature or in a large population database (gnomAD), indicating this variant is rare. Frameshift variants in ABCB4 are expected to be pathogenic. This variant is interpreted as pathogenic.